The following is an entry in ClinVar:

NM_000321.3(RB1):c.1797T>A (p.Asn599Lys)

Gene: RB1 (RB transcriptional corepressor 1; plus strand). Cytogenetic location: 13q14.2.
Variant type: single nucleotide variant.
Coding change: c.1797T>A on transcript NM_000321.3 (MANE Select); coding-DNA position 1797, T replaced by A.
Protein change: p.Asn599Lys; replaces asparagine 599 with lysine.
Molecular consequence: missense variant.
Genome position (GRCh38, 1-based): chr13:48,453,094, T>A. VCF-style: chr13-48453094-T-A. GRCh37 (hg19) VCF-style: chr13-49027230-T-A.
Other names: c.1797T>A, p.Asn599Lys (NM_001407165.1); short protein forms N599K.
Identifiers: ClinVar variation 3237028 (VCV003237028.2), dbSNP rs2138327347.

ClinVar aggregate classification (germline): Uncertain significance. Review status: criteria provided, multiple submitters, no conflicts (2 of 4 stars). 2 submissions from 2 submitters: Uncertain significance (2). Last evaluated 2025-07-31.

Conditions:
Retinoblastoma (RB1). Also called: RETINOBLASTOMA, SOMATIC. Identifiers: Orphanet 790, MedGen C0035335, MeSH D012175, MONDO:0008380, OMIM 180200, HP:0009919. Disease mechanism: loss of function. Inheritance: Both sporadic and heritable forms are tested..

Submissions (2):

Labcorp Genetics (formerly Invitae), Labcorp
Classification: Uncertain significance for Retinoblastoma. Last evaluated: 2025-07-31. Review status: criteria provided, single submitter. Criteria: Invitae Variant Classification Sherloc (09022015). Collection method: clinical testing. Allele origin: germline.
Comment: This sequence change replaces asparagine, which is neutral and polar, with lysine, which is basic and polar, at codon 599 of the RB1 protein (p.Asn599Lys). This variant is not present in population databases (gnomAD no frequency). This missense change has been observed in individual(s) with retinoblastoma (PMID: 32218800). ClinVar contains an entry for this variant (Variation ID: 3237028). Invitae Evidence Modeling of protein sequence and biophysical properties (such as structural, functional, and spatial information, amino acid conservation, physicochemical variation, residue mobility, and thermodynamic stability) indicates that this missense variant is not expected to disrupt RB1 protein function with a negative predictive value of 80%. In summary, the available evidence is currently insufficient to determine the role of this variant in disease. Therefore, it has been classified as a Variant of Uncertain Significance.

Genetic Diagnostic Laboratory, University of Pennsylvania School of Medicine
Classification: Uncertain significance for Retinoblastoma. Last evaluated: 2024-05-20. Review status: criteria provided, single submitter. Criteria: ACMG Guidelines, 2015. Collection method: clinical testing. Allele origin: germline. Affected: yes. Observed: 1 variant allele.
Comment: Case and Pedigree Information: BILATERAL CASES:0, UNILATERAL CASES:1, TOTAL CASES:1, PEDIGREES:1. ACMG Codes Applied:PM2, PP3

Literature cited by the submitters: PubMed 32218800 (cited by Labcorp Genetics (formerly Invitae), Labcorp).